The following is an entry in ClinVar:

NM_030773.4(TUBB1):c.942C>T (p.Ala314=)

Gene: TUBB1 (tubulin beta 1 class VI; plus strand). Cytogenetic location: 20q13.32.
Variant type: single nucleotide variant.
Coding change: c.942C>T on transcript NM_030773.4 (MANE Select); coding-DNA position 942, C replaced by T.
Protein change: p.Ala314=; no amino-acid change (alanine 314 retained).
Molecular consequence: synonymous variant.
Genome position (GRCh38, 1-based): chr20:59,024,369, C>T. VCF-style: chr20-59024369-C-T. GRCh37 (hg19) VCF-style: chr20-57599424-C-T.
Identifiers: ClinVar variation 3036647 (VCV003036647.2), dbSNP rs774268037, ClinGen allele CA511316660.

ClinVar aggregate classification (germline): Likely benign (0 of 4 stars; one submission).

Conditions:
TUBB1-related disorder. Also called: TUBB1-related condition.

Submission:

PreventionGenetics, part of Exact Sciences
Classification: Likely benign for TUBB1-related condition. Last evaluated: 2020-07-09. Review status: no assertion criteria provided. Collection method: clinical testing. Allele origin: germline.
Comment: This variant is classified as likely benign based on ACMG/AMP sequence variant interpretation guidelines (Richards et al. 2015 PMID: 25741868, with internal and published modifications).